The following is an entry in ClinVar:

ClinVar aggregate classification (germline): Uncertain significance. Review status: criteria provided, multiple submitters, no conflicts (2 of 4 stars). 2 submissions from 2 submitters: Uncertain significance (2). Last evaluated 2022-08-23.

Conditions:
Inborn genetic diseases. Identifiers: MedGen C0950123, MeSH D030342.

Allele frequency attached by ClinVar (database versions not stated): ExAC 0.00002; 1000 Genomes Project 0.00020; 1000 Genomes Project 30x 0.00031.
gnomAD v4.1: 14 of 1,598,126 alleles (0.00088%); highest among the groups gnomAD compares: Admixed American, 0.024%; no homozygotes.

Submissions (2):

Labcorp Genetics (formerly Invitae), Labcorp
Classification: Uncertain significance. Last evaluated: 2022-08-23. Review status: criteria provided, single submitter. Criteria: Invitae Variant Classification Sherloc (09022015). Collection method: clinical testing. Allele origin: germline.
Comment: This variant has not been reported in the literature in individuals affected with FAM111A-related conditions. In summary, the available evidence is currently insufficient to determine the role of this variant in disease. Therefore, it has been classified as a Variant of Uncertain Significance. Algorithms developed to predict the effect of missense changes on protein structure and function output the following: SIFT: "Tolerated"; PolyPhen-2: "Benign"; Align-GVGD: "Class C0". The glutamic acid amino acid residue is found in multiple mammalian species, which suggests that this missense change does not adversely affect protein function. This variant is present in population databases (rs182238858, gnomAD 0.03%). This sequence change replaces aspartic acid, which is acidic and polar, with glutamic acid, which is acidic and polar, at codon 608 of the FAM111A protein (p.Asp608Glu).

Ambry Genetics
Classification: Uncertain significance for Inborn genetic diseases. Last evaluated: 2021-09-16. Review status: criteria provided, single submitter. Criteria: Ambry Variant Classification Scheme 2023. Collection method: clinical testing. Allele origin: germline.

NM_001312909.2(FAM111A):c.1824T>G (p.Asp608Glu)

Gene: FAM111A (FAM111 trypsin like peptidase A; plus strand). Cytogenetic location: 11q12.1.
Variant type: single nucleotide variant.
Coding change: c.1824T>G on transcript NM_001312909.2 (MANE Select); coding-DNA position 1824, T replaced by G.
Protein change: p.Asp608Glu; replaces aspartic acid 608 with glutamic acid.
Molecular consequence: missense variant.
Genome position (GRCh38, 1-based): chr11:59,153,492, T>G. VCF-style: chr11-59153492-T-G. GRCh37 (hg19) VCF-style: chr11-58920965-T-G.
Other names: c.1824T>G, p.Asp608Glu (NM_001312910.2, NM_001312911.2, NM_001369457.1 and 29 more transcripts); short protein forms D608E.
Identifiers: ClinVar variation 2084732 (VCV002084732.4), dbSNP rs182238858, ClinGen allele CA6016841.